The following is an entry in ClinVar:

NM_001320.7(CSNK2B):c.558-2A>C

Gene: CSNK2B (casein kinase 2 beta; plus strand). Cytogenetic location: 6p21.33.
Variant type: single nucleotide variant.
Coding change: c.558-2A>C on transcript NM_001320.7 (MANE Select); the canonical splice acceptor site of the intron before coding-DNA position 558, A replaced by C.
Molecular consequence: splice acceptor variant.
Genome position (GRCh38, 1-based): chr6:31,669,834, A>C. VCF-style: chr6-31669834-A-C. GRCh37 (hg19) VCF-style: chr6-31637611-A-C.
Other names: c.549-2A>C (NM_001282385.2).
Identifiers: ClinVar variation 3348543 (VCV003348543.1).
Genomic context (GRCh38, chr6:31,669,834, plus strand): 5'-GTGACTGGCAGGGCCTGGATGGGGCTCATGCTGCTGCCTCTCTGACCTCTGCCCTGGCCT[A>C]GGCTCTACGGTTTCAAGATCCATCCGATGGCCTACCAGCTGCAGCTCCAAGCCGCCAGCA-3'

ClinVar aggregate classification (germline): Likely pathogenic (0 of 4 stars; one submission).

Conditions:
CSNK2B-related disorder. Also called: CSNK2B-related condition.

Submission:

PreventionGenetics, part of Exact Sciences
Classification: Likely pathogenic for CSNK2B-related condition. Last evaluated: 2024-03-29. Review status: no assertion criteria provided. Collection method: clinical testing. Allele origin: germline.
Comment: The CSNK2B c.558-2A>C variant is predicted to disrupt the AG splice acceptor site and interfere with normal splicing. To our knowledge, this variant has not been reported in the literature or in a large population database, indicating it is rare. Variants that disrupt a consensus splice acceptor site in CSNK2B are expected to be pathogenic. This variant affects the splice acceptor site of the last exon of CSNK2B, and therefore could be tolerated. However, missense (c.560T>G; p. Leu187Arg) and frameshift (c.621dupC; p.Phe207Phefs*39) variants in the last exon of CSNK2B have been reported de novo in individuals with related epilepsy phenotypes, suggesting that this exon is critical for function (Li. 2019. PubMed ID: 31784560). Taken together, this variant is interpreted as likely pathogenic.